The following is an entry in ClinVar:

ClinVar aggregate classification (germline): Pathogenic (1 of 4 stars; one submission).

Conditions:
Familial thoracic aortic aneurysm and aortic dissection (TAAD). Also called: Thoracic aortic aneurysms and dissections. Identifiers: Orphanet 91387, MedGen C4707243, MONDO:0019625.
Marfan syndrome (MFS). Also called: Marfan syndrome type 1; Marfan's syndrome; Marfan syndrome, classic; MARFAN SYNDROME, TYPE I; FBN1-Related Marfan Syndrome. Identifiers: Orphanet 284963, Orphanet 558, MedGen C0024796, MONDO:0007947, OMIM 154700.

Submission:

Labcorp Genetics (formerly Invitae), Labcorp
Classification: Pathogenic for Marfan syndrome; Familial thoracic aortic aneurysm and aortic dissection. Last evaluated: 2020-01-07. Review status: criteria provided, single submitter. Criteria: Invitae Variant Classification Sherloc (09022015). Collection method: clinical testing. Allele origin: germline.
Comment: This variant affects a cysteine residue in the EGF-like, TGFBP or hybrid motif domains of FBN1. Cysteine residues are believed to be involved in intramolecular disulfide bridges and have been shown to be important for FBN1 protein structure (PMID: 16905551, 19349279). In addition, missense substitutions affecting cysteine residues within these domains are significantly overrepresented among patients with Marfan syndrome (PMID: 16571647, 17701892). For these reasons, this variant has been classified as Pathogenic. Algorithms developed to predict the effect of missense changes on protein structure and function are either unavailable or do not agree on the potential impact of this missense change (SIFT: "Deleterious"; PolyPhen-2: "Probably Damaging"; Align-GVGD: "Class C0"). This variant has been observed in individual(s) with Marfan syndrome (PMID: 10464652, 17850668). This variant is not present in population databases (ExAC no frequency). This sequence change replaces cysteine with phenylalanine at codon 2686 of the FBN1 protein (p.Cys2686Phe). The cysteine residue is highly conserved and there is a large physicochemical difference between cysteine and phenylalanine.

Literature cited by the submitters: PubMed 16905551; PubMed 19349279; PubMed 16571647; PubMed 17701892; PubMed 10464652; PubMed 17850668.

NM_000138.5(FBN1):c.8057G>T (p.Cys2686Phe)

Gene: FBN1 (fibrillin 1; minus strand). Cytogenetic location: 15q21.1.
Variant type: single nucleotide variant.
Coding change: c.8057G>T on transcript NM_000138.5 (MANE Select); coding-DNA position 8057, G replaced by T.
Protein change: p.Cys2686Phe; replaces cysteine 2686 with phenylalanine.
Molecular consequence: missense variant.
Genome position (GRCh38, 1-based): chr15:48,412,738, C>A on the plus strand (G>T on the coding strand, the complement: FBN1 is on the minus strand). VCF-style: chr15-48412738-C-A. GRCh37 (hg19) VCF-style: chr15-48704935-C-A.
Other names: short protein forms C2686F.
Identifiers: ClinVar variation 1071312 (VCV001071312.9), dbSNP rs2141211820, ClinGen allele CA392321650.